The following is an entry in ClinVar:

NC_000004.11:g.(17506099_17510893)_(17513858_?)del

Gene: QDPR (quinoid dihydropteridine reductase; minus strand). Cytogenetic location: 4p15.32.
Variant type: Deletion.
Identifiers: ClinVar variation 1878362 (VCV001878362.1).

ClinVar aggregate classification (germline): Likely pathogenic (1 of 4 stars; one submission).

Conditions:
Dihydropteridine reductase deficiency (HPABH4C). Also called: DHPR DEFICIENCY; BH4-Deficient Hyperphenylalaninemia C; HYPERPHENYLALANINEMIA, TETRAHYDROBIOPTERIN-DEFICIENT, DUE TO DHPR DEFICIENCY; QDPR DEFICIENCY; QUINOID DIHYDROPTERIDINE REDUCTASE DEFICIENCY; Phenylketonuria II. Identifiers: Orphanet 226, Orphanet 238583, MedGen C0268465, MONDO:0009862, OMIM 261630.

Submission:

Women's Health and Genetics/Laboratory Corporation of America, LabCorp
Classification: Likely pathogenic for Dihydropteridine reductase deficiency. Last evaluated: 2022-12-22. Review status: criteria provided, single submitter. Criteria: LabCorp Variant Classification Summary - May 2015. Collection method: clinical testing. Allele origin: germline.
Comment: Variant summary: The variant identified by MLPA or other technology involves the deletion of exons 1-2 in the QDPR gene, where exon 1 contains the canonical translation initiation codon. The exact breakpoint at the 5' end of this variant is unknown and therefore this deletion might extend upstream of the assayed region of the gene. A presumed nomenclature of c.(?_-181)_(198+1_199-1)del has been designated for the purposes of this classification. Although exact breakpoints of this deletion are not known, it is expected to result in an absent or shortened protein product, a known mechanism of disease. The variant was absent in 21694 control chromosomes (gnomAD Structural Variants dataset). To our knowledge, no occurrence of c.(?_-181)_(198+1_199-1)del in individuals affected with Dihydropteridine Reductase Deficiency and no experimental evidence demonstrating its impact on protein function have been reported. No clinical diagnostic laboratories have submitted clinical-significance assessments for this variant to ClinVar after 2014. Based on the evidence outlined above, the variant was classified as likely pathogenic.